The following is an entry in ClinVar:

ClinVar aggregate classification (germline): Likely benign (1 of 4 stars; one submission).

Allele frequency attached by ClinVar (database versions not stated): 1000 Genomes Project 30x 0.00422.
gnomAD v4.1: 1,137 of 1,613,910 alleles (0.07%); highest among the groups gnomAD compares: African/African-American, 0.79%; 4 homozygotes.

Submission:

CeGaT Center for Human Genetics Tuebingen
Classification: Likely benign. Last evaluated: 2022-12-01. Review status: criteria provided, single submitter. Criteria: CeGaT Center For Human Genetics Tuebingen Variant Classification Criteria Version 2. Collection method: clinical testing. Allele origin: germline. Affected: yes. Observed: 2 variant alleles.
Comment: PCDHA6: BP4, BP7, BS2

NM_018909.4(PCDHA6):c.1797C>G (p.Ala599=)

Genes: PCDHA1 (protocadherin alpha 1; plus strand), PCDHA2 (protocadherin alpha 2; plus strand), PCDHA3 (protocadherin alpha 3; plus strand), PCDHA4 (protocadherin alpha 4; plus strand), PCDHA5 (protocadherin alpha 5; plus strand) and 2 more. Cytogenetic location: 5q31.3.
Variant type: single nucleotide variant.
Coding change: c.1797C>G on transcript NM_018909.4 (MANE Select); coding-DNA position 1797, C replaced by G.
Protein change: p.Ala599=; no amino-acid change (alanine 599 retained).
Molecular consequence: synonymous variant. On other transcripts: intron variant (7).
Genome position (GRCh38, 1-based): chr5:140,829,888, C>G. VCF-style: chr5-140829888-C-G. GRCh37 (hg19) VCF-style: chr5-140209473-C-G.
Other names: c.1602+41996C>G (NM_031411.3); c.2388+32536C>G (NM_018905.3); c.2394+26297C>G (NM_018906.3); c.2385+20316C>G (NM_018907.4); c.2352+5761C>G (NM_018908.3); c.1602+195C>G (NM_031849.3); c.1797C>G, p.Ala599= (NM_031848.3); c.2394+41204C>G (NM_018900.4).
Identifiers: ClinVar variation 2655760 (VCV002655760.22), dbSNP rs150204488, ClinGen allele CA3448570.